The following is an entry in ClinVar:

NM_000465.4(BARD1):c.268_270delinsCT (p.Ala90fs)

Gene: BARD1 (BRCA1 associated RING domain 1; minus strand). Cytogenetic location: 2q35.
Variant type: Indel.
Coding change: c.268_270delinsCT on transcript NM_000465.4 (MANE Select); coding-DNA positions 268 to 270, GCC replaced by CT.
Protein change: p.Ala90fs; shifts the reading frame from alanine 90.
Molecular consequence: frameshift variant. On other transcripts: non-coding transcript variant (1), intron variant (2).
Genome position (GRCh38, 1-based): chr2:214,792,391-214,792,393, GGC replaced by AG on the plus strand (GCC replaced by CT on the coding strand, the reverse complement: BARD1 is on the minus strand). VCF-style: chr2-214792391-GGC-AG. GRCh37 (hg19) VCF-style: chr2-215657115-GGC-AG.
Other names: c.211_213delinsCT, p.Ala71fs (NM_001282543.2); c.268_270delinsCT, p.Ala90fs (NM_001282549.2); c.158+17019_158+17021delinsCT (NM_001282548.2); c.215+4668_215+4670delinsCT (NM_001282545.2); short protein forms A71fs, A90fs.
Identifiers: ClinVar variation 3260419 (VCV003260419.1).
Genomic context (GRCh38, chr2:214,792,391, plus strand): 5'-CTTACTACAAAGTTGAATCATGCTGTCCAGTTGTCTATTTATCTTCAAGTCTTGTATCCA[GGC>AG]CGGGGTGTAACACACTGGACATCCAGTTCCAATGCAGTCACTTACACAATTACTTTAAAA-3'

ClinVar aggregate classification (germline): Pathogenic (1 of 4 stars; one submission).

Conditions:
Hereditary cancer-predisposing syndrome. Also called: Hereditary Cancer Syndrome; Tumor predisposition; Hereditary neoplastic syndrome; Neoplastic Syndromes, Hereditary. Identifiers: Orphanet 140162, MedGen C0027672, MeSH D009386, MONDO:0015356.

Submission:

Ambry Genetics
Classification: Pathogenic for Hereditary cancer-predisposing syndrome. Last evaluated: 2024-03-18. Review status: criteria provided, single submitter. Criteria: Ambry Variant Classification Scheme 2023. Collection method: clinical testing. Allele origin: germline.
Comment: The c.268_270delGCCinsCT pathogenic mutation, located in coding exon 3 of the BARD1 gene, results from the deletion of 3 nucleotides and insertion of two nucleotides causing a translational frameshift with a predicted alternate stop codon (p.A90Lfs*6). This alteration is expected to result in loss of function by premature protein truncation or nonsense-mediated mRNA decay. This variant is considered to be rare based on population cohorts in the Genome Aggregation Database (gnomAD). As such, this alteration is interpreted as a disease-causing mutation.